The following is an entry in ClinVar:

NM_001271.4(CHD2):c.2899dup (p.Glu967fs)

Genes: CHD2 (chromodomain helicase DNA binding protein 2; plus strand), LOC126862230 (P300/CBP strongly-dependent group 1 enhancer GRCh37_chr15:93523977-93525176; plus strand). Cytogenetic location: 15q26.1.
Variant type: Duplication.
Coding change: c.2899dup on transcript NM_001271.4 (MANE Select); coding-DNA position 2899, one base duplicated (G; older notation c.2899dupG).
Protein change: p.Glu967fs; shifts the reading frame from glutamic acid 967.
Molecular consequence: frameshift variant.
Genome position (GRCh38, 1-based): chr15:92,980,837, G duplicated. VCF-style (leftmost placement, unchanged base first): chr15-92980836-A-AG. GRCh37 (hg19) VCF-style: chr15-93524066-A-AG.
Other names: short protein forms E967fs.
Identifiers: ClinVar variation 2765989 (VCV002765989.3), dbSNP rs2505549946, ClinGen allele CA2697549361.

ClinVar aggregate classification (germline): Pathogenic (1 of 4 stars; one submission).

Conditions:
Developmental and epileptic encephalopathy 94 (DEE94). Also called: CHD2-Related Neurodevelopmental Disorders; Epileptic encephalopathy, childhood-onset. Identifiers: Orphanet 1942, Orphanet 2382, MedGen C3809278, MONDO:0014150, OMIM 615369.

Submission:

Labcorp Genetics (formerly Invitae), Labcorp
Classification: Pathogenic for Developmental and epileptic encephalopathy 94. Last evaluated: 2023-10-05. Review status: criteria provided, single submitter. Criteria: Invitae Variant Classification Sherloc (09022015). Collection method: clinical testing. Allele origin: germline.
Comment: This sequence change creates a premature translational stop signal (p.Glu967Glyfs*31) in the CHD2 gene. It is expected to result in an absent or disrupted protein product. Loss-of-function variants in CHD2 are known to be pathogenic (PMID: 23708187, 24207121). This variant is not present in population databases (gnomAD no frequency). This variant has not been reported in the literature in individuals affected with CHD2-related conditions. For these reasons, this variant has been classified as Pathogenic.

Literature cited by the submitters: PubMed 23708187; PubMed 24207121.